The following is an entry in ClinVar:

NM_001199107.2(TBC1D24):c.1079G>T (p.Arg360Leu)

Gene: TBC1D24 (TBC1 domain family member 24; plus strand). Cytogenetic location: 16p13.3.
Variant type: single nucleotide variant.
Coding change: c.1079G>T on transcript NM_001199107.2 (MANE Select); coding-DNA position 1079, G replaced by T.
Protein change: p.Arg360Leu; replaces arginine 360 with leucine.
Molecular consequence: missense variant.
Genome position (GRCh38, 1-based): chr16:2,498,333, G>T. VCF-style: chr16-2498333-G-T. GRCh37 (hg19) VCF-style: chr16-2548334-G-T.
Other names: rs765965968; c.1061G>T, p.Arg354Leu (NM_020705.3); short protein forms R360L, R354L.
Identifiers: ClinVar variation 183157 (VCV000183157.31), dbSNP rs765965968, ClinGen allele CA347144.

ClinVar aggregate classification (germline): Conflicting classifications of pathogenicity. Review status: criteria provided, conflicting classifications (1 of 4 stars). 5 submissions from 5 submitters: Pathogenic (2); Likely pathogenic (1); Uncertain significance (1). 1 of the submissions does not count toward it. Last evaluated 2022-08-16.

Conditions:
Periodic paralysis. Identifiers: Orphanet 206976, MedGen C1279412, MONDO:0016122, HP:0003768.
Intellectual disability. Also called: Intellectual developmental disorder; Intellectual functioning disability; intellectual disabilities. Identifiers: MedGen C3714756, MeSH D008607, MONDO:0001071, HP:0001249.
Neurodevelopmental delay. Identifiers: MedGen C4022738, HP:0012758.
Autosomal dominant nonsyndromic hearing loss 65. Also called: TBC1D24-Related Autosomal Dominant Nonsyndromic Hearing Loss (DFNA); Deafness, autosomal dominant 65. Identifiers: Orphanet 90635, MedGen C3892048, MONDO:0014470, OMIM 616044.
Developmental and epileptic encephalopathy, 1 (DEE1). Also called: West's syndrome; Tonic spasms with clustering, arrest of psychomotor development and hypsarrhythmia on EEG; X-Linked Infantile Spasm Syndrome; X-linked infantile spasms; INFANTILE SPASM SYNDROME, X-LINKED 1; Epileptic encephalopathy, early infantile, 1. Identifiers: MedGen C3463992, MONDO:0010632, OMIM 308350. Disease mechanism: loss of function.
Developmental and epileptic encephalopathy, 16 (DEE16). Also called: Early infantile epileptic encephalopathy 16; TBC1D24-Related Developmental and Epileptic Encephalopathy (DEE). Identifiers: Orphanet 293181, Orphanet 352596, MedGen C3809173, MONDO:0014133, OMIM 615338.
Epilepsy, progressive myoclonic, 1B. Also called: PME. Identifiers: Orphanet 308, MedGen C2676254, MONDO:0012904, OMIM 612437.
Abnormality of the nervous system. Also called: Congenital nervous system disorder. Identifiers: MedGen C0497552, MONDO:0002320, HP:0000707.

gnomAD v4.1: 7 of 1,610,224 alleles (0.00043%); highest among the groups gnomAD compares: South Asian, 0.0078%; no homozygotes.

Submissions (5):

Labcorp Genetics (formerly Invitae), Labcorp
Classification: Uncertain significance for Developmental and epileptic encephalopathy, 1; Autosomal dominant nonsyndromic hearing loss 65. Last evaluated: 2022-08-16. Review status: criteria provided, single submitter. Criteria: Invitae Variant Classification Sherloc (09022015). Collection method: clinical testing. Allele origin: germline.
Comment: Experimental studies have shown that this missense change affects TBC1D24 function (PMID: 27281533, 30335140). Advanced modeling of protein sequence and biophysical properties (such as structural, functional, and spatial information, amino acid conservation, physicochemical variation, residue mobility, and thermodynamic stability) performed at Invitae indicates that this missense variant is expected to disrupt TBC1D24 protein function. ClinVar contains an entry for this variant (Variation ID: 183157). This missense change has been observed in individual(s) with clinical features of autosomal recessive TBC1D24-related conditions (PMID: 25401298). The frequency data for this variant in the population databases is considered unreliable, as metrics indicate poor data quality at this position in the gnomAD database. This sequence change replaces arginine, which is basic and polar, with leucine, which is neutral and non-polar, at codon 360 of the TBC1D24 protein (p.Arg360Leu). In summary, the available evidence is currently insufficient to determine the role of this variant in disease. Therefore, it has been classified as a Variant of Uncertain Significance.

Kariminejad - Najmabadi Pathology & Genetics Center
Classification: Likely pathogenic for Abnormality of the nervous system. Last evaluated: 2021-07-10. Review status: criteria provided, single submitter. Criteria: ACMG Guidelines, 2015. Collection method: clinical testing. Allele origin: germline. Affected: yes.

Institute of Human Genetics Munich, TUM University Hospital
Classification: Pathogenic for Developmental and epileptic encephalopathy, 16. Last evaluated: 2021-06-08. Review status: criteria provided, single submitter. Criteria: Classification criteria August 2017. Collection method: clinical testing. Allele origin: germline. Inheritance: Autosomal recessive inheritance. Affected: yes. Observed: 1 variant allele.

Snyder Lab, Genetics Department, Stanford University
Classification: Pathogenic for Neurodevelopmental delay; Periodic paralysis; Intellectual disability. Last evaluated: 2018-08-27. Review status: criteria provided, single submitter. Criteria: ACMG Guidelines, 2015. Collection method: case-control. Allele origin: germline. Inheritance: Autosomal recessive inheritance. Affected: yes. Observed: 2 variant alleles, 2 homozygotes.

Division of Medical Genetics; Sainte-Justine Hospital
Classification: Pathogenic for PME. Last evaluated: 2014-12-22. Review status: no assertion criteria provided. Collection method: literature only. Allele origin: germline. Affected: yes. Not counted in ClinVar's aggregate classification.

Literature cited by the submitters: PubMed 27281533 (cited by Labcorp Genetics (formerly Invitae), Labcorp); PubMed 30335140 (cited by Labcorp Genetics (formerly Invitae), Labcorp); PubMed 25401298 (cited by Labcorp Genetics (formerly Invitae), Labcorp).